The following is an entry in ClinVar:

ClinVar aggregate classification (germline): Uncertain significance (1 of 4 stars; one submission).

Conditions:
Cardiovascular phenotype. Identifiers: MedGen CN230736.

Submission:

Ambry Genetics
Classification: Uncertain significance for Cardiovascular phenotype. Last evaluated: 2024-08-16. Review status: criteria provided, single submitter. Criteria: Ambry Variant Classification Scheme 2023. Collection method: clinical testing. Allele origin: germline.
Comment: The c.2304C>A variant (also known as p.V768V), located in coding exon 23 of the MYBPC3 gene, results from a C to A substitution at nucleotide position 2304. This nucleotide substitution does not change the amino acid at codon 768. This nucleotide position is not well conserved in available vertebrate species. In silico splice site analysis predicts that this alteration will weaken the native splice donor site and will result in the creation or strengthening of a novel splice donor site. Based on the available evidence, the clinical significance of this variant remains unclear.

NM_000256.3(MYBPC3):c.2304C>A (p.Val768=)

Gene: MYBPC3 (myosin binding protein C3; minus strand). Cytogenetic location: 11p11.2.
Variant type: single nucleotide variant.
Coding change: c.2304C>A on transcript NM_000256.3 (MANE Select); coding-DNA position 2304, C replaced by A.
Protein change: p.Val768=; no amino-acid change (valine 768 retained).
Molecular consequence: synonymous variant.
Genome position (GRCh38, 1-based): chr11:47,338,524, G>T on the plus strand (C>A on the coding strand, the complement: MYBPC3 is on the minus strand). VCF-style: chr11-47338524-G-T. GRCh37 (hg19) VCF-style: chr11-47360075-G-T.
Identifiers: ClinVar variation 3400415 (VCV003400415.1).